The following is an entry in ClinVar:

ClinVar aggregate classification (germline): Uncertain significance (1 of 4 stars; one submission).

Submission:

GeneDx
Classification: Uncertain significance. Last evaluated: 2025-04-06. Review status: criteria provided, single submitter. Criteria: GeneDx Variant Classification Process June 2021. Collection method: clinical testing. Allele origin: germline. Affected: yes.
Comment: Not observed at significant frequency in large population cohorts (gnomAD); In silico analysis supports that this missense variant has a deleterious effect on protein structure/function; Has not been previously published as pathogenic or benign to our knowledge

NM_002336.3(LRP6):c.4711C>G (p.Pro1571Ala)

Gene: LRP6 (LDL receptor related protein 6; minus strand). Cytogenetic location: 12p13.2.
Variant type: single nucleotide variant.
Coding change: c.4711C>G on transcript NM_002336.3 (MANE Select); coding-DNA position 4711, C replaced by G.
Protein change: p.Pro1571Ala; replaces proline 1571 with alanine.
Molecular consequence: missense variant. On other transcripts: non-coding transcript variant (1), 3 prime UTR variant (1).
Genome position (GRCh38, 1-based): chr12:12,121,257, G>C on the plus strand (C>G on the coding strand, the complement: LRP6 is on the minus strand). VCF-style: chr12-12121257-G-C. GRCh37 (hg19) VCF-style: chr12-12274191-G-C.
Other names: c.4258C>G, p.Pro1420Ala (NM_001414253.1, NM_001414254.1, NM_001414252.1); c.4204C>G, p.Pro1402Ala (NM_001414255.1); c.4804C>G, p.Pro1602Ala (NM_001414244.1); c.4711C>G, p.Pro1571Ala (NM_001414245.1); c.4576C>G, p.Pro1526Ala (NM_001414246.1); c.4513C>G, p.Pro1505Ala (NM_001414247.1); c.*187C>G (NM_001414248.1); c.4348C>G, p.Pro1450Ala (NM_001414251.1); short protein forms P1402A, P1420A, P1450A, P1505A, P1526A, P1571A, P1602A.
Identifiers: ClinVar variation 4281725 (VCV004281725.1).